The following is an entry in ClinVar:

NM_014000.3(VCL):c.1216G>T (p.Glu406Ter)

Gene: VCL (vinculin; plus strand). Cytogenetic location: 10q22.2.
Variant type: single nucleotide variant.
Coding change: c.1216G>T on transcript NM_014000.3 (MANE Select); coding-DNA position 1216, G replaced by T.
Protein change: p.Glu406Ter; replaces glutamic acid 406 with a stop codon.
Molecular consequence: nonsense.
Genome position (GRCh38, 1-based): chr10:74,090,062, G>T. VCF-style: chr10-74090062-G-T. GRCh37 (hg19) VCF-style: chr10-75849820-G-T.
Other names: c.1216G>T, p.Glu406Ter (NM_003373.4); short protein forms E406*.
Identifiers: ClinVar variation 2136107 (VCV002136107.1), dbSNP rs2549223277, ClinGen allele CA377273148.

ClinVar aggregate classification (germline): Uncertain significance (1 of 4 stars; one submission).

Submission:

GeneDx
Classification: Uncertain significance. Last evaluated: 2023-01-12. Review status: criteria provided, single submitter. Criteria: GeneDx Variant Classification Process June 2021. Collection method: clinical testing. Allele origin: germline. Affected: yes.
Comment: Nonsense variant predicted to result in protein truncation or nonsense mediated decay in a gene or region of a gene for which loss of function is not a well-established mechanism of disease; Not observed at significant frequency in large population cohorts (gnomAD); Has not been previously published as pathogenic or benign to our knowledge